The following is an entry in ClinVar:

ClinVar aggregate classification (germline): Uncertain significance (1 of 4 stars; one submission).

Allele frequency attached by ClinVar (database versions not stated): TOPMed 0.00001; gnomAD exomes 0.00002.

Submission:

GeneDx
Classification: Uncertain significance. Last evaluated: 2021-02-25. Review status: criteria provided, single submitter. Criteria: GeneDx Variant Classification Process June 2021. Collection method: clinical testing. Allele origin: germline. Affected: yes.
Comment: Not observed in large population cohorts (Lek et al., 2016); In silico analysis supports that this missense variant does not alter protein structure/function; Has not been previously published as pathogenic or benign to our knowledge

NM_001492.6(GDF1):c.686G>C (p.Arg229Pro)

Genes: CERS1 (ceramide synthase 1; minus strand), GDF1 (growth differentiation factor 1; minus strand). Cytogenetic location: 19p13.11.
Variant type: single nucleotide variant.
Coding change: c.686G>C on transcript NM_001492.6 (MANE Select); coding-DNA position 686, G replaced by C.
Protein change: p.Arg229Pro; replaces arginine 229 with proline.
Molecular consequence: missense variant. On other transcripts: 3 prime UTR variant (2).
Genome position (GRCh38, 1-based): chr19:18,869,030, C>G on the plus strand (G>C on the coding strand, the complement: GDF1 is on the minus strand). VCF-style: chr19-18869030-C-G. GRCh37 (hg19) VCF-style: chr19-18979839-C-G.
Other names: c.*1547G>C (NM_001387440.1); c.*955G>C (NM_021267.5); c.686G>C, p.Arg229Pro (NM_001387438.1); short protein forms R229P.
Identifiers: ClinVar variation 1314139 (VCV001314139.2), dbSNP rs2055908466, ClinGen allele CA404862573.